The following is an entry in ClinVar:

NM_173660.5(DOK7):c.1292C>G (p.Ala431Gly)

Gene: DOK7 (docking protein 7; plus strand). Cytogenetic location: 4p16.3.
Variant type: single nucleotide variant.
Coding change: c.1292C>G on transcript NM_173660.5 (MANE Select); coding-DNA position 1292, C replaced by G.
Protein change: p.Ala431Gly; replaces alanine 431 with glycine.
Molecular consequence: missense variant. On other transcripts: 3 prime UTR variant (1).
Genome position (GRCh38, 1-based): chr4:3,493,278, C>G. VCF-style: chr4-3493278-C-G. GRCh37 (hg19) VCF-style: chr4-3495005-C-G.
Other names: c.*513C>G (NM_001164673.2); c.362C>G, p.Ala121Gly (NM_001256896.2); c.1292C>G, p.Ala431Gly (NM_001301071.2); c.860C>G, p.Ala287Gly (NM_001363811.2); short protein forms A121G, A287G, A431G.
Identifiers: ClinVar variation 3751399 (VCV003751399.2).
Genomic context (GRCh38, chr4:3,493,278, plus strand): 5'-TTTGCCTGGCTCCTAGAGACCACAGCCCCCCCTCACAGGGCAGCCCCGGCAACAGTGCGG[C>G]CAGGGACTCAGGCGGCCAGACGTCCGCCGGGTGTCCCTCTGGCTGGCTGGGCACGAGACG-3'
Protein context (NP_775931.3, residues 421-441): PSQGSPGNSA[Ala431Gly]RDSGGQTSAG

ClinVar aggregate classification (germline): Uncertain significance (1 of 4 stars; one submission).

Conditions:
Fetal akinesia deformation sequence 1 (FADS1). Also called: Pena-Shokeir syndrome type I; Fetal akinesia sequence. Identifiers: Orphanet 994, MedGen C1276035, MONDO:0100101, OMIM 208150, HP:0001989.
Congenital myasthenic syndrome 10. Also called: Myasthenia, limb-girdle, familial. Identifiers: Orphanet 590, MedGen C1850792, MONDO:0009690, OMIM 254300.

Submission:

Labcorp Genetics (formerly Invitae), Labcorp
Classification: Uncertain significance for Congenital myasthenic syndrome 10; Fetal akinesia deformation sequence 1. Last evaluated: 2024-05-24. Review status: criteria provided, single submitter. Criteria: Invitae Variant Classification Sherloc (09022015). Collection method: clinical testing. Allele origin: germline.
Comment: This sequence change replaces alanine, which is neutral and non-polar, with glycine, which is neutral and non-polar, at codon 431 of the DOK7 protein (p.Ala431Gly). This variant is not present in population databases (gnomAD no frequency). This variant has not been reported in the literature in individuals affected with DOK7-related conditions. An algorithm developed to predict the effect of missense changes on protein structure and function (PolyPhen-2) suggests that this variant is likely to be tolerated. In summary, the available evidence is currently insufficient to determine the role of this variant in disease. Therefore, it has been classified as a Variant of Uncertain Significance.